The following is an entry in ClinVar:

ClinVar aggregate classification (germline): Conflicting classifications of pathogenicity. Review status: criteria provided, conflicting classifications (1 of 4 stars). 3 submissions from 3 submitters: Uncertain significance (1); Likely benign (1). 1 of the submissions does not count toward it. Last evaluated 2025-10-03.

Conditions:
Inborn genetic diseases. Identifiers: MedGen C0950123, MeSH D030342.
Fanconi anemia (FA). Also called: Fanconi's anemia. Identifiers: Orphanet 84, MedGen C0015625, MeSH D005199, MONDO:0019391.

Allele frequency attached by ClinVar (database versions not stated): TOPMed below 0.00001; gnomAD 0.00001; ExAC 0.00004; gnomAD exomes 0.00005.
gnomAD v4.1: 25 of 1,613,890 alleles (0.0015%); highest among the groups gnomAD compares: East Asian, 0.051%; no homozygotes.

Submissions (3):

Labcorp Genetics (formerly Invitae), Labcorp
Classification: Likely benign for Fanconi anemia. Last evaluated: 2025-10-03. Review status: criteria provided, single submitter. Criteria: Invitae Variant Classification Sherloc (09022015). Collection method: clinical testing. Allele origin: germline.

Ambry Genetics
Classification: Uncertain significance for Inborn genetic diseases. Last evaluated: 2024-12-08. Review status: criteria provided, single submitter. Criteria: Ambry Variant Classification Scheme 2023. Collection method: clinical testing. Allele origin: germline.
Comment: The p.H305Y variant (also known as c.913C>T), located in coding exon 11 of the FANCA gene, results from a C to T substitution at nucleotide position 913. The histidine at codon 305 is replaced by tyrosine, an amino acid with similar properties. This amino acid position is conserved. In addition, this alteration is predicted to be tolerated by in silico analysis. Based on the available evidence, the clinical significance of this variant remains unclear.

Natera, Inc.
Classification: Uncertain significance for Fanconi anemia. Last evaluated: 2020-02-26. Review status: no assertion criteria provided. Collection method: clinical testing. Allele origin: germline. Not counted in ClinVar's aggregate classification.

NM_000135.4(FANCA):c.913C>T (p.His305Tyr)

Gene: FANCA (FA complementation group A; minus strand). Cytogenetic location: 16q24.3.
Variant type: single nucleotide variant.
Coding change: c.913C>T on transcript NM_000135.4 (MANE Select); coding-DNA position 913, C replaced by T.
Protein change: p.His305Tyr; replaces histidine 305 with tyrosine.
Molecular consequence: missense variant.
Genome position (GRCh38, 1-based): chr16:89,795,999, G>A on the plus strand (C>T on the coding strand, the complement: FANCA is on the minus strand). VCF-style: chr16-89795999-G-A. GRCh37 (hg19) VCF-style: chr16-89862407-G-A.
Other names: c.913C>T, p.His305Tyr (NM_001286167.3); short protein forms H305Y.
Identifiers: ClinVar variation 843882 (VCV000843882.12), dbSNP rs774054025, ClinGen allele CA8252632.